The following is an entry in ClinVar:

NM_014208.3(DSPP):c.3166A>G (p.Asn1056Asp)

Genes: DMP1-AS1 (DMP1 and DSPP antisense RNA 1; minus strand), DSPP (dentin sialophosphoprotein; plus strand). Cytogenetic location: 4q22.1.
Variant type: single nucleotide variant.
Coding change: c.3166A>G on transcript NM_014208.3 (MANE Select); coding-DNA position 3166, A replaced by G.
Protein change: p.Asn1056Asp; replaces asparagine 1056 with aspartic acid.
Molecular consequence: missense variant.
Genome position (GRCh38, 1-based): chr4:87,615,828, A>G. VCF-style: chr4-87615828-A-G. GRCh37 (hg19) VCF-style: chr4-88536980-A-G.
Other names: short protein forms N1056D.
Identifiers: ClinVar variation 3387844 (VCV003387844.15).

ClinVar aggregate classification (germline): Benign/Likely benign. Review status: criteria provided, multiple submitters, no conflicts (2 of 4 stars). 2 submissions from 2 submitters: Benign (1); Likely benign (1). Last evaluated 2026-09-01.

Submissions (2):

CeGaT Center for Human Genetics Tuebingen
Classification: Benign. Last evaluated: 2026-09-01. Review status: criteria provided, single submitter. Criteria: CeGaT Center For Human Genetics Tuebingen Variant Classification Criteria Version 2. Collection method: clinical testing. Allele origin: germline. Affected: yes. Observed: 3 variant alleles.
Comment: DSPP: BP4, BS1, BS2

Blueprint Genetics
Classification: Likely benign. Last evaluated: 2024-10-28. Review status: criteria provided, single submitter. Criteria: ACMG Guidelines, 2015. Collection method: clinical testing. Allele origin: germline.